The following is an entry in ClinVar:

NM_031935.3(HMCN1):c.10342C>T (p.Leu3448Phe)

Gene: HMCN1 (hemicentin 1; plus strand). Cytogenetic location: 1q31.1.
Variant type: single nucleotide variant.
Coding change: c.10342C>T on transcript NM_031935.3 (MANE Select); coding-DNA position 10342, C replaced by T.
Protein change: p.Leu3448Phe; replaces leucine 3448 with phenylalanine.
Molecular consequence: missense variant.
Genome position (GRCh38, 1-based): chr1:186,095,290, C>T. VCF-style: chr1-186095290-C-T. GRCh37 (hg19) VCF-style: chr1-186064422-C-T.
Other names: short protein forms L3448F.
Identifiers: ClinVar variation 2119621 (VCV002119621.4), dbSNP rs745322075, ClinGen allele CA1293696.

ClinVar aggregate classification (germline): Uncertain significance (1 of 4 stars; one submission).

Allele frequency attached by ClinVar (database versions not stated): gnomAD exomes below 0.00001; ExAC 0.00001.

Submission:

Labcorp Genetics (formerly Invitae), Labcorp
Classification: Uncertain significance. Last evaluated: 2025-01-15. Review status: criteria provided, single submitter. Criteria: Invitae Variant Classification Sherloc (09022015). Collection method: clinical testing. Allele origin: germline.
Comment: This sequence change replaces leucine, which is neutral and non-polar, with phenylalanine, which is neutral and non-polar, at codon 3448 of the HMCN1 protein (p.Leu3448Phe). This variant is present in population databases (rs745322075, gnomAD 0.01%). This variant has not been reported in the literature in individuals affected with HMCN1-related conditions. ClinVar contains an entry for this variant (Variation ID: 2119621). An algorithm developed to predict the effect of missense changes on protein structure and function (PolyPhen-2) suggests that this variant is likely to be tolerated. In summary, the available evidence is currently insufficient to determine the role of this variant in disease. Therefore, it has been classified as a Variant of Uncertain Significance.